The following is an entry in ClinVar:

NM_152703.5(SAMD9L):c.3057T>A (p.Asn1019Lys)

Gene: SAMD9L (sterile alpha motif domain containing 9 like; minus strand). Cytogenetic location: 7q21.2.
Variant type: single nucleotide variant.
Coding change: c.3057T>A on transcript NM_152703.5 (MANE Select); coding-DNA position 3057, T replaced by A.
Protein change: p.Asn1019Lys; replaces asparagine 1019 with lysine.
Molecular consequence: missense variant.
Genome position (GRCh38, 1-based): chr7:93,132,915, A>T on the plus strand (T>A on the coding strand, the complement: SAMD9L is on the minus strand). VCF-style: chr7-93132915-A-T. GRCh37 (hg19) VCF-style: chr7-92762228-A-T.
Other names: c.3057T>A, p.Asn1019Lys (NM_001303496.3, NM_001303497.3, NM_001303498.3 and 5 more transcripts); short protein forms N1019K.
Identifiers: ClinVar variation 3792453 (VCV003792453.1).

ClinVar aggregate classification (germline): Uncertain significance (1 of 4 stars; one submission).

Conditions:
Inborn genetic diseases. Identifiers: MedGen C0950123, MeSH D030342.

Submission:

Ambry Genetics
Classification: Uncertain significance for Inborn genetic diseases. Last evaluated: 2025-02-25. Review status: criteria provided, single submitter. Criteria: Ambry Variant Classification Scheme 2023. Collection method: clinical testing. Allele origin: germline.
Comment: The p.N1019K variant (also known as c.3057T>A), located in coding exon 1 of the SAMD9L gene, results from a T to A substitution at nucleotide position 3057. The asparagine at codon 1019 is replaced by lysine, an amino acid with similar properties. This amino acid position is conserved. In addition, this alteration is predicted to be tolerated by in silico analysis. Based on the available evidence, the clinical significance of this variant remains unclear.